The following is an entry in ClinVar:

ClinVar aggregate classification (germline): Likely pathogenic. Review status: reviewed by expert panel (3 of 4 stars). 3 submissions from 3 submitters: Likely pathogenic (1). 2 of the submissions do not count toward it. Last evaluated 2026-09-01.

Conditions:
Euthyroid goiter (MNG1). Also called: Goiter, multinodular 1, with or without Sertoli-Leydig cell tumors; GOITER, NONTOXIC, WITH INTRATHYROIDAL CALCIFICATION; MULTINODULAR GOITER, ADOLESCENT; SIMPLE GOITER. Identifiers: Orphanet 276399, MedGen C0302859, MONDO:0007681, OMIM 138800, HP:0009798.
DICER1-related tumor predisposition. Also called: DICER1 syndrome; DICER1-related pleuropulmonary blastoma cancer predisposition syndrome. Identifiers: Orphanet 284343, MedGen C3839822, MONDO:0100216.

Submissions (3):

ClinGen DICER1 and miRNA-Processing Gene Variant Curation Expert Panel, ClinGen
Classification: Likely pathogenic for DICER1-related tumor predisposition. Last evaluated: 2026-09-01. Review status: reviewed by expert panel. Criteria: ClinGen DICER1 and miRNA-Processing Gene Expert Panel Specifications to the ACMG/AMP Variant Interpretation Guidelines for DICER1 Version 1.4. Collection method: curation. Allele origin: germline. Inheritance: Autosomal dominant inheritance.
Comment: The NM_177438.2:c.2257-2A>G variant in DICER1 occurs within the canonical splice acceptor site -2 of intron 14. Although skipping of exon 15 would result in an in-frame deletion of <10% of the protein, in silico splice tools strongly predict use of a cryptic splice site, resulting in a frameshift leading to nonsense-mediated decay in a gene in which loss-of-function is an established disease mechanism (PVS1_Strong). This variant received a total of 1 phenotype point across 2 unrelated probands meeting DICER1 VCEP phenotype specificity scoring criteria of 1-1.5 points (PS4_Supporting; Internal lab contributors). This variant is absent from gnomAD v4.1.0 (PM2_Supporting). In summary, this variant meets the criteria to be classified as Likely Pathogenic for DICER1-related tumor predisposition based on the ACMG/AMP criteria applied, as specified by the ClinGen DICER1 VCEP: PVS1_Strong, PS4_Supporting, PM2_Supporting. (VCEP specifications version 1.4.0) Based on Tavtigian et al 2020 (PMID:32720330), the total points applied = 6, which equates to a classification of likely pathogenic.

Labcorp Genetics (formerly Invitae), Labcorp
Classification: Likely pathogenic for DICER1-related tumor predisposition. Last evaluated: 2022-11-13. Review status: criteria provided, single submitter. Criteria: Invitae Variant Classification Sherloc (09022015). Collection method: clinical testing. Allele origin: germline. Not counted in ClinVar's aggregate classification.
Comment: This sequence change affects an acceptor splice site in intron 14 of the DICER1 gene. It is expected to disrupt RNA splicing. Variants that disrupt the donor or acceptor splice site typically lead to a loss of protein function (PMID: 16199547), and loss-of-function variants in DICER1 are known to be pathogenic (PMID: 19556464, 21266384). This variant is not present in population databases (gnomAD no frequency). This variant has not been reported in the literature in individuals affected with DICER1-related conditions. ClinVar contains an entry for this variant (Variation ID: 1687238). Algorithms developed to predict the effect of sequence changes on RNA splicing suggest that this variant may disrupt the consensus splice site. In summary, the currently available evidence indicates that the variant is pathogenic, but additional data are needed to prove that conclusively. Therefore, this variant has been classified as Likely Pathogenic.

3billion
Classification: Likely pathogenic for Euthyroid goiter. Last evaluated: 2022-05-22. Review status: criteria provided, single submitter. Criteria: ACMG Guidelines, 2015. Collection method: clinical testing. Allele origin: germline. Affected: yes. Observed: 1 heterozygote. Not counted in ClinVar's aggregate classification.
Comment: The variant is not observed in the gnomAD v2.1.1 dataset. Canonical splice site: predicted to alter splicing and result in a loss or disruption of normal protein function through nonsense-mediated decay (NMD) or protein truncation. Multiple pathogenic variants are reported downstream of the variant. Therefore, this variant is classified as likely pathogenic according to the recommendation of ACMG/AMP guideline.

Literature cited by the submitters: PubMed 16199547 (cited by Labcorp Genetics (formerly Invitae), Labcorp); PubMed 19556464 (cited by Labcorp Genetics (formerly Invitae), Labcorp); PubMed 21266384 (cited by Labcorp Genetics (formerly Invitae), Labcorp).

NM_177438.3(DICER1):c.2257-2A>G

Gene: DICER1 (dicer 1, ribonuclease III; minus strand). Cytogenetic location: 14q32.13.
Variant type: single nucleotide variant.
Coding change: c.2257-2A>G on transcript NM_177438.3 (MANE Select); the canonical splice acceptor site of the intron before coding-DNA position 2257, A replaced by G.
Molecular consequence: splice acceptor variant.
Genome position (GRCh38, 1-based): chr14:95,108,505, T>C on the plus strand (A>G on the coding strand, the complement: DICER1 is on the minus strand). VCF-style: chr14-95108505-T-C. GRCh37 (hg19) VCF-style: chr14-95574842-T-C.
Other names: c.2257-2A>G (NM_001395684.1, NM_001395683.1, NM_001395679.1 and 12 more transcripts); c.1852-2A>G (NM_001395688.1, NM_001395696.1, NM_001395690.1 and 2 more transcripts); c.574-2A>G (NM_001395697.1); c.1975-2A>G (NM_001395686.1); c.1690-2A>G (NM_001395691.1).
Identifiers: ClinVar variation 1687238 (VCV001687238.6), dbSNP rs2140034081, ClinGen allele CA390882450.